The following is an entry in ClinVar:

ClinVar aggregate classification (germline): Uncertain significance (1 of 4 stars; one submission).

Allele frequency attached by ClinVar (database versions not stated): TOPMed 0.00001; gnomAD exomes 0.00003.
gnomAD v4.1: 38 of 1,374,700 alleles (0.0028%); highest among the groups gnomAD compares: Non-Finnish European, 0.0031%; no homozygotes.

Submission:

CeGaT Center for Human Genetics Tuebingen
Classification: Uncertain significance. Last evaluated: 2023-08-01. Review status: criteria provided, single submitter. Criteria: CeGaT Center For Human Genetics Tuebingen Variant Classification Criteria Version 2. Collection method: clinical testing. Allele origin: germline. Affected: yes. Observed: 1 variant allele.
Comment: HIBADH: PM2, BP4

NM_152740.4(HIBADH):c.73G>T (p.Ala25Ser)

Gene: HIBADH (3-hydroxyisobutyrate dehydrogenase; minus strand). Cytogenetic location: 7p15.2.
Variant type: single nucleotide variant.
Coding change: c.73G>T on transcript NM_152740.4 (MANE Select); coding-DNA position 73, G replaced by T.
Protein change: p.Ala25Ser; replaces alanine 25 with serine.
Molecular consequence: missense variant.
Genome position (GRCh38, 1-based): chr7:27,662,716, C>A on the plus strand (G>T on the coding strand, the complement: HIBADH is on the minus strand). VCF-style: chr7-27662716-C-A. GRCh37 (hg19) VCF-style: chr7-27702335-C-A.
Other names: short protein forms A25S.
Identifiers: ClinVar variation 2657366 (VCV002657366.24), dbSNP rs901133047, ClinGen allele CA156388687.